The following is an entry in ClinVar:

ClinVar aggregate classification (germline): Likely benign (1 of 4 stars; one submission).

Allele frequency attached by ClinVar (database versions not stated): 1000 Genomes Project 0.00020; ESP Exome Variant Server 0.00023; 1000 Genomes Project 30x 0.00031; gnomAD 0.00046; ExAC 0.00054; TOPMed 0.00066.
gnomAD v4.1: 577 of 1,614,228 alleles (0.036%); highest among the groups gnomAD compares: Middle Eastern, 0.12%; no homozygotes.

Submission:

CeGaT Center for Human Genetics Tuebingen
Classification: Likely benign. Last evaluated: 2022-07-01. Review status: criteria provided, single submitter. Criteria: CeGaT Center For Human Genetics Tuebingen Variant Classification Criteria Version 2. Collection method: clinical testing. Allele origin: germline. Affected: yes. Observed: 1 variant allele.
Comment: BIRC2: BP4, BP7

NM_001166.5(BIRC2):c.417A>G (p.Leu139=)

Gene: BIRC2 (baculoviral IAP repeat containing 2; plus strand). Cytogenetic location: 11q22.2.
Variant type: single nucleotide variant.
Coding change: c.417A>G on transcript NM_001166.5 (MANE Select); coding-DNA position 417, A replaced by G.
Protein change: p.Leu139=; no amino-acid change (leucine 139 retained).
Molecular consequence: synonymous variant.
Genome position (GRCh38, 1-based): chr11:102,350,271, A>G. VCF-style: chr11-102350271-A-G. GRCh37 (hg19) VCF-style: chr11-102221002-A-G.
Other names: c.417A>G, p.Leu139= (NM_001256163.1); c.270A>G, p.Leu90= (NM_001256166.2).
Identifiers: ClinVar variation 2642319 (VCV002642319.24), dbSNP rs150868637, ClinGen allele CA6247069.
Genomic context (GRCh38, chr11:102,350,271, plus strand): 5'-TAGTCTGGGATCCACCTCTAAGAATACGTCTCCAATGAGAAACAGTTTTGCACATTCATT[A>G]TCTCCCACCTTGGAACATAGTAGCTTGTTCAGTGGTTCTTACTCCAGCCTTTCTCCAAAC-3'
Protein context (NP_001157.1, residues 129-149): SPMRNSFAHS[Leu139=]SPTLEHSSLF